The following is an entry in ClinVar:

ClinVar aggregate classification (germline): Uncertain significance. Review status: criteria provided, multiple submitters, no conflicts (2 of 4 stars). 3 submissions from 3 submitters: Uncertain significance (3). Last evaluated 2025-09-05.

Conditions:
Hypertrophic cardiomyopathy 11. Also called: ACTC1-Related Familial Hypertrophic Cardiomyopathy. Identifiers: MedGen C2677506, MONDO:0012799, OMIM 612098.
Dilated cardiomyopathy 1R (CMD1R). Identifiers: Orphanet 154, Orphanet 54260, MedGen C3150681, MONDO:0013261, OMIM 613424.
Atrial septal defect 5 (ASD5). Identifiers: Orphanet 1478, MedGen C2748552, MONDO:0013011, OMIM 612794.
Cardiomyopathy (CMYO). Also called: Cardiomyopathies. Identifiers: Orphanet 167848, MedGen C0878544, MONDO:0004994, HP:0001638. Inheritance: Various modes of inheritance.

Submissions (3):

Color Diagnostics, LLC DBA Color Health
Classification: Uncertain significance for Cardiomyopathy. Last evaluated: 2025-09-05. Review status: criteria provided, single submitter. Criteria: ACMG Guidelines, 2015. Collection method: clinical testing. Allele origin: germline.
Comment: This missense variant replaces aspartic acid with asparagine at codon 181 of the ACTC1 protein. Computational prediction suggests that this variant may have deleterious impact on protein structure and function. To our knowledge, functional studies have not been reported for this variant. This variant has not been reported in individuals affected with ACTC1-related disorders in the literature. This variant has not been identified in the general population by the Genome Aggregation Database (gnomAD). The available evidence is insufficient to determine the role of this variant in disease conclusively. Therefore, this variant is classified as a Variant of Uncertain Significance.

GeneDx
Classification: Uncertain significance. Last evaluated: 2025-08-29. Review status: criteria provided, single submitter. Criteria: GeneDx Variant Classification Process June 2021. Collection method: clinical testing. Allele origin: germline. Affected: yes.
Comment: Not observed at significant frequency in large population cohorts (gnomAD); In silico analysis supports that this missense variant has a deleterious effect on protein structure/function; Has not been previously published as pathogenic or benign to our knowledge

Labcorp Genetics (formerly Invitae), Labcorp
Classification: Uncertain significance for Dilated cardiomyopathy 1R; Hypertrophic cardiomyopathy 11; Atrial septal defect 5. Last evaluated: 2024-03-14. Review status: criteria provided, single submitter. Criteria: Invitae Variant Classification Sherloc (09022015). Collection method: clinical testing. Allele origin: germline.
Comment: This sequence change replaces aspartic acid, which is acidic and polar, with asparagine, which is neutral and polar, at codon 181 of the ACTC1 protein (p.Asp181Asn). This variant is not present in population databases (gnomAD no frequency). This variant has not been reported in the literature in individuals affected with ACTC1-related conditions. Advanced modeling of protein sequence and biophysical properties (such as structural, functional, and spatial information, amino acid conservation, physicochemical variation, residue mobility, and thermodynamic stability) performed at Invitae indicates that this missense variant is not expected to disrupt ACTC1 protein function with a negative predictive value of 80%. In summary, the available evidence is currently insufficient to determine the role of this variant in disease. Therefore, it has been classified as a Variant of Uncertain Significance.

NM_005159.5(ACTC1):c.541G>A (p.Asp181Asn)

Genes: ACTC1 (actin alpha cardiac muscle 1; minus strand), GJD2-DT (GJD2 divergent transcript; plus strand). Cytogenetic location: 15q14.
Variant type: single nucleotide variant.
Coding change: c.541G>A on transcript NM_005159.5 (MANE Select); coding-DNA position 541, G replaced by A.
Protein change: p.Asp181Asn; replaces aspartic acid 181 with asparagine.
Molecular consequence: missense variant.
Genome position (GRCh38, 1-based): chr15:34,792,483, C>T on the plus strand (G>A on the coding strand, the complement: ACTC1 is on the minus strand). VCF-style: chr15-34792483-C-T. GRCh37 (hg19) VCF-style: chr15-35084684-C-T.
Other names: c.541G>A, p.Asp181Asn (NM_001406482.1, NM_001406483.1); c.406G>A, p.Asp136Asn (NM_001406484.1); c.100G>A, p.Asp34Asn (NM_001406485.1); short protein forms D181N, D136N, D34N.
Identifiers: ClinVar variation 2953352 (VCV002953352.6), dbSNP rs730880393, ClinGen allele CA391631006.